The following is an entry in ClinVar:

NM_001384900.1(SEMA3D):c.718+9T>C

Gene: SEMA3D (semaphorin 3D; minus strand). Cytogenetic location: 7q21.11.
Variant type: single nucleotide variant.
Coding change: c.718+9T>C on transcript NM_001384900.1 (MANE Select); 9 bases into the intron after coding-DNA position 718, T replaced by C.
Molecular consequence: intron variant.
Genome position (GRCh38, 1-based): chr7:85,065,415, A>G on the plus strand (T>C on the coding strand, the complement: SEMA3D is on the minus strand). VCF-style: chr7-85065415-A-G. GRCh37 (hg19) VCF-style: chr7-84694731-A-G.
Other names: c.718+9T>C (NM_001384901.1, NM_001384903.1, NM_001384902.1 and 1 more transcripts).
Identifiers: ClinVar variation 752287 (VCV000752287.4), dbSNP rs1033734974, ClinGen allele CA161899048.
Genomic context (GRCh38, chr7:85,065,415, plus strand): 5'-ATAATACACTTCTTATCTATCTTAAACCAAAGCAAGACAATCAAAAGTAAACAAAAAAAA[A>G]TCACAAACCATTGAGCCAGTAGTGCTCTGAAATGTCAGTTCTGATGTAGTGGTGGTCATG-3'

ClinVar aggregate classification (germline): Likely benign. Review status: criteria provided, single submitter (1 of 4 stars). 2 submissions from 2 submitters: Likely benign (1). 1 of the submissions does not count toward it. Last evaluated 2018-09-25.

Conditions:
SEMA3D-related disorder. Also called: SEMA3D-related condition.

Allele frequency attached by ClinVar (database versions not stated): gnomAD exomes below 0.00001 and 0.00004; gnomAD 0.00001; TOPMed 0.00002.
gnomAD v4.1: 58 of 1,611,816 alleles (0.0036%); highest among the groups gnomAD compares: Non-Finnish European, 0.0044%; no homozygotes.

Submissions (2):

Labcorp Genetics (formerly Invitae), Labcorp
Classification: Likely benign. Last evaluated: 2018-09-25. Review status: criteria provided, single submitter. Criteria: Invitae Variant Classification Sherloc (09022015). Collection method: clinical testing. Allele origin: germline.

PreventionGenetics, part of Exact Sciences
Classification: Likely benign for SEMA3D-related condition. Last evaluated: 2022-12-22. Review status: no assertion criteria provided. Collection method: clinical testing. Allele origin: germline. Not counted in ClinVar's aggregate classification.
Comment: This variant is classified as likely benign based on ACMG/AMP sequence variant interpretation guidelines (Richards et al. 2015 PMID: 25741868, with internal and published modifications).